The following is an entry in ClinVar:

NM_001278512.2(AP3B2):c.1246-7C>T

Genes: AP3B2 (adaptor related protein complex 3 subunit beta 2; minus strand), CPEB1-AS1 (CPEB1 antisense RNA 1; plus strand). Cytogenetic location: 15q25.2.
Variant type: single nucleotide variant.
Coding change: c.1246-7C>T on transcript NM_001278512.2 (MANE Select); 7 bases into the intron before coding-DNA position 1246, C replaced by T.
Molecular consequence: intron variant.
Genome position (GRCh38, 1-based): chr15:82,677,810, G>A on the plus strand (C>T on the coding strand, the complement: AP3B2 is on the minus strand). VCF-style: chr15-82677810-G-A. GRCh37 (hg19) VCF-style: chr15-83346562-G-A.
Other names: c.1246-7C>T (NM_004644.4, NM_004644.5); c.1150-7C>T (NM_001278511.2).
Identifiers: ClinVar variation 1592488 (VCV001592488.11), dbSNP rs752677808, ClinGen allele CA7700262.

ClinVar aggregate classification (germline): Likely benign. Review status: criteria provided, single submitter (1 of 4 stars). 2 submissions from 2 submitters: Likely benign (1). 1 of the submissions does not count toward it. Last evaluated 2025-10-27.

Conditions:
AP3B2-related disorder. Also called: AP3B2-related condition.

Allele frequency attached by ClinVar (database versions not stated): gnomAD 0.00001 and 0.00002; TOPMed 0.00001; gnomAD exomes 0.00002; ExAC 0.00003.
gnomAD v4.1: 36 of 1,583,944 alleles (0.0023%); highest among the groups gnomAD compares: South Asian, 0.03%; no homozygotes.

Submissions (2):

Labcorp Genetics (formerly Invitae), Labcorp
Classification: Likely benign. Last evaluated: 2025-10-27. Review status: criteria provided, single submitter. Criteria: Invitae Variant Classification Sherloc (09022015). Collection method: clinical testing. Allele origin: germline.

PreventionGenetics, part of Exact Sciences
Classification: Likely benign for AP3B2-related condition. Last evaluated: 2019-07-01. Review status: no assertion criteria provided. Collection method: clinical testing. Allele origin: germline. Not counted in ClinVar's aggregate classification.
Comment: This variant is classified as likely benign based on ACMG/AMP sequence variant interpretation guidelines (Richards et al. 2015 PMID: 25741868, with internal and published modifications).